The following is an entry in ClinVar:

NM_000548.5(TSC2):c.3077G>T (p.Cys1026Phe)

Gene: TSC2 (TSC complex subunit 2; plus strand). Cytogenetic location: 16p13.3.
Variant type: single nucleotide variant.
Coding change: c.3077G>T on transcript NM_000548.5 (MANE Select); coding-DNA position 3077, G replaced by T.
Protein change: p.Cys1026Phe; replaces cysteine 1026 with phenylalanine.
Molecular consequence: missense variant.
Genome position (GRCh38, 1-based): chr16:2,079,142, G>T. VCF-style: chr16-2079142-G-T. GRCh37 (hg19) VCF-style: chr16-2129143-G-T.
Other names: c.2945G>T, p.Cys982Phe (NM_001077183.3, NM_001370404.1, NM_001406665.1); c.3077G>T, p.Cys1026Phe (NM_001114382.3); c.2837G>T, p.Cys946Phe (NM_001318827.2); c.2801G>T, p.Cys934Phe (NM_001318829.2); c.2345G>T, p.Cys782Phe (NM_001318831.2, NM_001406687.1, NM_001406688.1); c.2978G>T, p.Cys993Phe (NM_001318832.2); c.2948G>T, p.Cys983Phe (NM_001363528.2, NM_001370405.1, NM_021055.3); c.3074G>T, p.Cys1025Phe (NM_001406663.1, NM_001406664.1); and 18 more; short protein forms C1013F, C535F, C829F, C963F, C979F, C982F, C993F, C1012F.
Identifiers: ClinVar variation 1727322 (VCV001727322.3), dbSNP rs2151433476, ClinGen allele CA394284573.

ClinVar aggregate classification (germline): Uncertain significance (1 of 4 stars; one submission).

Conditions:
Hereditary cancer-predisposing syndrome. Also called: Hereditary Cancer Syndrome; Neoplastic Syndromes, Hereditary; Hereditary neoplastic syndrome; Tumor predisposition. Identifiers: Orphanet 140162, MedGen C0027672, MeSH D009386, MONDO:0015356.

Submission:

Ambry Genetics
Classification: Uncertain significance for Hereditary cancer-predisposing syndrome. Last evaluated: 2026-03-23. Review status: criteria provided, single submitter. Criteria: Ambry Variant Classification Scheme 2023. Collection method: clinical testing. Allele origin: germline.
Comment: The p.C1026F variant (also known as c.3077G>T), located in coding exon 26 of the TSC2 gene, results from a G to T substitution at nucleotide position 3077. The cysteine at codon 1026 is replaced by phenylalanine, an amino acid with highly dissimilar properties. This amino acid position is conserved. In addition, this alteration is predicted to be deleterious by in silico analysis. Since supporting evidence is limited at this time, the clinical significance of this alteration remains unclear.